The following is an entry in ClinVar:

ClinVar aggregate classification (germline): Uncertain significance (1 of 4 stars; one submission).

Allele frequency attached by ClinVar (database versions not stated): gnomAD 0.00001; gnomAD exomes 0.00001 and below 0.00001; TOPMed 0.00001.
gnomAD v4.1: 6 of 1,614,040 alleles (0.00037%); highest among the groups gnomAD compares: South Asian, 0.0055%; 1 homozygote.

Submission:

Labcorp Genetics (formerly Invitae), Labcorp
Classification: Uncertain significance. Last evaluated: 2025-09-29. Review status: criteria provided, single submitter. Criteria: Invitae Variant Classification Sherloc (09022015). Collection method: clinical testing. Allele origin: germline.
Comment: This sequence change replaces glycine, which is neutral and non-polar, with glutamic acid, which is acidic and polar, at codon 423 of the ANKZF1 protein (p.Gly423Glu). This variant is present in population databases (no rsID available, gnomAD 0.006%). This variant has not been reported in the literature in individuals affected with ANKZF1-related conditions. ClinVar contains an entry for this variant (Variation ID: 1389268). An algorithm developed to predict the effect of missense changes on protein structure and function (PolyPhen-2) suggests that this variant is likely to be tolerated. In summary, the available evidence is currently insufficient to determine the role of this variant in disease. Therefore, it has been classified as a Variant of Uncertain Significance.

NM_018089.3(ANKZF1):c.1268G>A (p.Gly423Glu)

Gene: ANKZF1 (ankyrin repeat and zinc finger peptidyl tRNA hydrolase 1; plus strand). Cytogenetic location: 2q35.
Variant type: single nucleotide variant.
Coding change: c.1268G>A on transcript NM_018089.3 (MANE Select); coding-DNA position 1268, G replaced by A.
Protein change: p.Gly423Glu; replaces glycine 423 with glutamic acid.
Molecular consequence: missense variant.
Genome position (GRCh38, 1-based): chr2:219,234,889, G>A. VCF-style: chr2-219234889-G-A. GRCh37 (hg19) VCF-style: chr2-220099611-G-A.
Other names: c.1268G>A, p.Gly423Glu (NM_001042410.2); c.638G>A, p.Gly213Glu (NM_001282792.2); short protein forms G423E, G213E.
Identifiers: ClinVar variation 1389268 (VCV001389268.6), dbSNP rs889794776, ClinGen allele CA65971796.